The following is an entry in ClinVar:

ClinVar aggregate classification (germline): Uncertain significance (1 of 4 stars; one submission).

Conditions:
Peroxisome biogenesis disorder 7A (Zellweger). Also called: Peroxisome biogenesis disorder 7A. Identifiers: Orphanet 912, MedGen C3888385, MONDO:0013938, OMIM 614872.
Peroxisome biogenesis disorder 7B (PBD7B). Identifiers: Orphanet 44, MedGen C3553951, MONDO:0013939, OMIM 614873.

Submission:

Labcorp Genetics (formerly Invitae), Labcorp
Classification: Uncertain significance for Peroxisome biogenesis disorder 7A (Zellweger); Peroxisome biogenesis disorder 7B. Last evaluated: 2022-10-17. Review status: criteria provided, single submitter. Criteria: Invitae Variant Classification Sherloc (09022015). Collection method: clinical testing. Allele origin: germline.
Comment: Advanced modeling of protein sequence and biophysical properties (such as structural, functional, and spatial information, amino acid conservation, physicochemical variation, residue mobility, and thermodynamic stability) has been performed at Invitae for this missense variant, however the output from this modeling did not meet the statistical confidence thresholds required to predict the impact of this variant on PEX26 protein function. In summary, the available evidence is currently insufficient to determine the role of this variant in disease. Therefore, it has been classified as a Variant of Uncertain Significance. This variant has not been reported in the literature in individuals affected with PEX26-related conditions. This variant is not present in population databases (gnomAD no frequency). This sequence change replaces leucine, which is neutral and non-polar, with phenylalanine, which is neutral and non-polar, at codon 79 of the PEX26 protein (p.Leu79Phe).

NM_001127649.3(PEX26):c.237G>C (p.Leu79Phe)

Gene: PEX26 (peroxisomal biogenesis factor 26; plus strand). Cytogenetic location: 22q11.21.
Variant type: single nucleotide variant.
Coding change: c.237G>C on transcript NM_001127649.3 (MANE Select); coding-DNA position 237, G replaced by C.
Protein change: p.Leu79Phe; replaces leucine 79 with phenylalanine.
Molecular consequence: missense variant.
Genome position (GRCh38, 1-based): chr22:18,079,880, G>C. VCF-style: chr22-18079880-G-C. GRCh37 (hg19) VCF-style: chr22-18562646-G-C.
Other names: c.237G>C, p.Leu79Phe (NM_001199319.2, NM_017929.6); short protein forms L79F.
Identifiers: ClinVar variation 2101717 (VCV002101717.4), dbSNP rs1282570979, ClinGen allele CA410265571.